The following is an entry in ClinVar:

NM_002471.4(MYH6):c.2771T>C (p.Met924Thr)

Gene: MYH6 (myosin heavy chain 6; minus strand). Cytogenetic location: 14q11.2.
Variant type: single nucleotide variant.
Coding change: c.2771T>C on transcript NM_002471.4 (MANE Select); coding-DNA position 2771, T replaced by C.
Protein change: p.Met924Thr; replaces methionine 924 with threonine.
Molecular consequence: missense variant.
Genome position (GRCh38, 1-based): chr14:23,393,823, A>G on the plus strand (T>C on the coding strand, the complement: MYH6 is on the minus strand). VCF-style: chr14-23393823-A-G. GRCh37 (hg19) VCF-style: chr14-23863032-A-G.
Other names: short protein forms M924T.
Identifiers: ClinVar variation 851172 (VCV000851172.12), dbSNP rs746669440, ClinGen allele CA7115376.

ClinVar aggregate classification (germline): Conflicting classifications of pathogenicity. Review status: criteria provided, conflicting classifications (1 of 4 stars). 3 submissions from 3 submitters: Uncertain significance (2); Likely benign (1). Last evaluated 2025-10-21.

Conditions:
Cardiovascular phenotype. Identifiers: MedGen CN230736.
Hypertrophic cardiomyopathy 14. Identifiers: MedGen C2750467, MONDO:0013197, OMIM 613251.

Allele frequency attached by ClinVar (database versions not stated): gnomAD exomes 0.00001; ExAC 0.00002.
gnomAD v4.1: 12 of 1,614,154 alleles (0.00074%); highest among the groups gnomAD compares: Non-Finnish European, 0.001%; no homozygotes.

Submissions (3):

Labcorp Genetics (formerly Invitae), Labcorp
Classification: Uncertain significance for Hypertrophic cardiomyopathy 14. Last evaluated: 2025-10-21. Review status: criteria provided, single submitter. Criteria: Invitae Variant Classification Sherloc (09022015). Collection method: clinical testing. Allele origin: germline.
Comment: This sequence change replaces methionine, which is neutral and non-polar, with threonine, which is neutral and polar, at codon 924 of the MYH6 protein (p.Met924Thr). This variant is present in population databases (rs746669440, gnomAD 0.002%). This variant has not been reported in the literature in individuals affected with MYH6-related conditions. ClinVar contains an entry for this variant (Variation ID: 851172). Invitae Evidence Modeling of protein sequence and biophysical properties (such as structural, functional, and spatial information, amino acid conservation, physicochemical variation, residue mobility, and thermodynamic stability) indicates that this missense variant is not expected to disrupt MYH6 protein function with a negative predictive value of 80%. In summary, the available evidence is currently insufficient to determine the role of this variant in disease. Therefore, it has been classified as a Variant of Uncertain Significance.

Ambry Genetics
Classification: Uncertain significance for Cardiovascular phenotype. Last evaluated: 2023-06-06. Review status: criteria provided, single submitter. Criteria: Ambry Variant Classification Scheme 2023. Collection method: clinical testing. Allele origin: germline.

Blueprint Genetics
Classification: Likely benign. Last evaluated: 2022-11-30. Review status: criteria provided, single submitter. Criteria: ACMG Guidelines, 2015. Collection method: clinical testing. Allele origin: germline.